The following is an entry in ClinVar:

ClinVar aggregate classification (germline): Conflicting classifications of pathogenicity. Review status: criteria provided, conflicting classifications (1 of 4 stars). 4 submissions from 4 submitters: Uncertain significance (3); Likely benign (1). Last evaluated 2026-06-29.

Conditions:
COL11A2-related disorder. Also called: COL11A2-related disorders; COL11A2-related condition.

Allele frequency attached by ClinVar (database versions not stated): gnomAD exomes 0.00002 and 0.00004; gnomAD 0.00003 and 0.00004; TOPMed 0.00003; ExAC 0.00005.

Submissions (4):

PreventionGenetics, part of Exact Sciences
Classification: Uncertain significance for COL11A2-related condition. Last evaluated: 2026-06-29. Review status: criteria provided, single submitter. Criteria: ACMG Guidelines, 2015. Collection method: clinical testing. Allele origin: germline.
Comment: The COL11A2 c.2932G>A variant is predicted to result in the amino acid substitution p.Asp978Asn. To our knowledge, this variant has not been reported in the literature. This variant is reported in 0.0098% of alleles in individuals of African descent in gnomAD. At this time, the clinical significance of this variant is uncertain due to the absence of conclusive functional and genetic evidence.

Labcorp Genetics (formerly Invitae), Labcorp
Classification: Likely benign. Last evaluated: 2026-01-24. Review status: criteria provided, single submitter. Criteria: Invitae Variant Classification Sherloc (09022015). Collection method: clinical testing. Allele origin: germline.

GeneDx
Classification: Uncertain significance. Last evaluated: 2025-07-27. Review status: criteria provided, single submitter. Criteria: GeneDx Variant Classification Process June 2021. Collection method: clinical testing. Allele origin: germline. Affected: yes.
Comment: Not observed at significant frequency in large population cohorts (gnomAD); In silico analysis suggests that this missense variant does not alter protein structure/function; Has not been previously published as pathogenic or benign to our knowledge

Eurofins Ntd Llc (ga)
Classification: Uncertain significance. Last evaluated: 2017-01-26. Review status: criteria provided, single submitter. Criteria: EGL Classification Definitions 2015. Collection method: clinical testing. Allele origin: germline.

NM_080680.3(COL11A2):c.2932G>A (p.Asp978Asn)

Gene: COL11A2 (collagen type XI alpha 2 chain; minus strand). Cytogenetic location: 6p21.32.
Variant type: single nucleotide variant.
Coding change: c.2932G>A on transcript NM_080680.3 (MANE Select); coding-DNA position 2932, G replaced by A.
Protein change: p.Asp978Asn; replaces aspartic acid 978 with asparagine.
Molecular consequence: missense variant.
Genome position (GRCh38, 1-based): chr6:33,172,345, C>T on the plus strand (G>A on the coding strand, the complement: COL11A2 is on the minus strand). VCF-style: chr6-33172345-C-T. GRCh37 (hg19) VCF-style: chr6-33140122-C-T.
Other names: c.2611G>A, p.Asp871Asn (NM_080679.3); c.2674G>A, p.Asp892Asn (NM_080681.3); short protein forms D978N, D892N, D871N.
Identifiers: ClinVar variation 499447 (VCV000499447.13), dbSNP rs772537556, ClinGen allele CA3750696.